The following is an entry in ClinVar:

ClinVar aggregate classification (germline): Uncertain significance. Review status: criteria provided, multiple submitters, no conflicts (2 of 4 stars). 2 submissions from 2 submitters: Uncertain significance (2). Last evaluated 2024-05-14.

Submissions (2):

Ambry Genetics
Classification: Uncertain significance. Last evaluated: 2024-05-14. Review status: criteria provided, single submitter. Criteria: Ambry Variant Classification Scheme 2023. Collection method: clinical testing. Allele origin: germline.

Labcorp Genetics (formerly Invitae), Labcorp
Classification: Uncertain significance. Last evaluated: 2022-02-24. Review status: criteria provided, single submitter. Criteria: Invitae Variant Classification Sherloc (09022015). Collection method: clinical testing. Allele origin: germline.
Comment: In summary, the available evidence is currently insufficient to determine the role of this variant in disease. Therefore, it has been classified as a Variant of Uncertain Significance. Advanced modeling of protein sequence and biophysical properties (such as structural, functional, and spatial information, amino acid conservation, physicochemical variation, residue mobility, and thermodynamic stability) performed at Invitae indicates that this missense variant is not expected to disrupt CACNA1B protein function. This variant has not been reported in the literature in individuals affected with CACNA1B-related conditions. The frequency data for this variant in the population databases is considered unreliable, as metrics indicate poor data quality at this position in the gnomAD database. This sequence change replaces proline, which is neutral and non-polar, with threonine, which is neutral and polar, at codon 1989 of the CACNA1B protein (p.Pro1989Thr).

NM_000718.4(CACNA1B):c.5965C>A (p.Pro1989Thr)

Gene: CACNA1B (calcium voltage-gated channel subunit alpha1 B; plus strand). Cytogenetic location: 9q34.3.
Variant type: single nucleotide variant.
Coding change: c.5965C>A on transcript NM_000718.4 (MANE Select); coding-DNA position 5965, C replaced by A.
Protein change: p.Pro1989Thr; replaces proline 1989 with threonine.
Molecular consequence: missense variant.
Genome position (GRCh38, 1-based): chr9:138,118,703, C>A. VCF-style: chr9-138118703-C-A. GRCh37 (hg19) VCF-style: chr9-141013155-C-A.
Other names: c.5965C>A, p.Pro1989Thr (NM_001243812.2); c.5965C>A (NM_000718.3); short protein forms P1989T.
Identifiers: ClinVar variation 2202397 (VCV002202397.3), dbSNP rs199740482, ClinGen allele CA5377559.
Genomic context (GRCh38, chr9:138,118,703, plus strand): 5'-TATCCACAGGCTGTGGACGTTCAGATGCAGAGCATAACCCGGAGGGGCCCTGATGGGGAG[C>A]CCCAGCCTGGGCTGGAGAGCCAGGGTCGAGCGGCCTCCATGCCCCGCCTTGCGGCCGAGA-3'
Protein context (NP_000709.1, residues 1979-1999): SITRRGPDGE[Pro1989Thr]QPGLESQGRA